The following is an entry in ClinVar:

NM_003737.4(DCHS1):c.5896C>G (p.Arg1966Gly)

Gene: DCHS1 (dachsous cadherin-related 1; minus strand). Cytogenetic location: 11p15.4.
Variant type: single nucleotide variant.
Coding change: c.5896C>G on transcript NM_003737.4 (MANE Select); coding-DNA position 5896, C replaced by G.
Protein change: p.Arg1966Gly; replaces arginine 1966 with glycine.
Molecular consequence: missense variant.
Genome position (GRCh38, 1-based): chr11:6,627,143, G>C on the plus strand (C>G on the coding strand, the complement: DCHS1 is on the minus strand). VCF-style: chr11-6627143-G-C. GRCh37 (hg19) VCF-style: chr11-6648374-G-C.
Other names: short protein forms R1966G.
Identifiers: ClinVar variation 3661097 (VCV003661097.2).
Genomic context (GRCh38, chr11:6,627,143, plus strand): 5'-GTGTGGCCAGAGCCAGGGTTGGGGTACTGAAGCTGGGGCCTGGGCGGGGCAGACGTAGGC[G>C]CAGAGGACTGGTGGGGAAGGTGGGTGCATGGTCATTGACATCGCGCACCGTGATGGTGAC-3'
Protein context (NP_003728.1, residues 1956-1976): HAPTFPTSPL[Arg1966Gly]LRLPRPGPSF

ClinVar aggregate classification (germline): Uncertain significance (1 of 4 stars; one submission).

gnomAD v4.1: 1 of 1,612,416 alleles (0.000062%); no homozygotes.

Submission:

Labcorp Genetics (formerly Invitae), Labcorp
Classification: Uncertain significance. Last evaluated: 2024-07-31. Review status: criteria provided, single submitter. Criteria: Invitae Variant Classification Sherloc (09022015). Collection method: clinical testing. Allele origin: germline.
Comment: This sequence change replaces arginine, which is basic and polar, with glycine, which is neutral and non-polar, at codon 1966 of the DCHS1 protein (p.Arg1966Gly). This variant is not present in population databases (gnomAD no frequency). This variant has not been reported in the literature in individuals affected with DCHS1-related conditions. Advanced modeling of protein sequence and biophysical properties (such as structural, functional, and spatial information, amino acid conservation, physicochemical variation, residue mobility, and thermodynamic stability) performed at Invitae indicates that this missense variant is not expected to disrupt DCHS1 protein function with a negative predictive value of 80%. In summary, the available evidence is currently insufficient to determine the role of this variant in disease. Therefore, it has been classified as a Variant of Uncertain Significance.